The following is an entry in ClinVar:

ClinVar aggregate classification (germline): Uncertain significance (1 of 4 stars; one submission).

Allele frequency attached by ClinVar (database versions not stated): gnomAD exomes below 0.00001.
gnomAD v4.1: 4 of 1,609,766 alleles (0.00025%); highest among the groups gnomAD compares: South Asian, 0.0011%; no homozygotes.

Submission:

Labcorp Genetics (formerly Invitae), Labcorp
Classification: Uncertain significance. Last evaluated: 2022-03-04. Review status: criteria provided, single submitter. Criteria: Invitae Variant Classification Sherloc (09022015). Collection method: clinical testing. Allele origin: germline.
Comment: This variant has not been reported in the literature in individuals affected with PRPF3-related conditions. This sequence change falls in intron 14 of the PRPF3 gene. It does not directly change the encoded amino acid sequence of the PRPF3 protein. This variant is present in population databases (no rsID available, gnomAD 0.003%). Algorithms developed to predict the effect of sequence changes on RNA splicing suggest that this variant may disrupt the consensus splice site. In summary, the available evidence is currently insufficient to determine the role of this variant in disease. Therefore, it has been classified as a Variant of Uncertain Significance.

NM_004698.4(PRPF3):c.1844-15A>C

Gene: PRPF3 (pre-mRNA processing factor 3; plus strand). Cytogenetic location: 1q21.2.
Variant type: single nucleotide variant.
Coding change: c.1844-15A>C on transcript NM_004698.4 (MANE Select); 15 bases into the intron before coding-DNA position 1844, A replaced by C.
Molecular consequence: intron variant.
Genome position (GRCh38, 1-based): chr1:150,349,142, A>C. VCF-style: chr1-150349142-A-C. GRCh37 (hg19) VCF-style: chr1-150321618-A-C.
Other names: c.1439-15A>C (NM_001350529.1).
Identifiers: ClinVar variation 2099537 (VCV002099537.4), dbSNP rs1306564094, ClinGen allele CA526034556.
Genomic context (GRCh38, chr1:150,349,142, plus strand): 5'-TTTGGGTAGACTTGAATATTATTTGTTTAGAACCTGAATCTCAAGTCTAAGTCTGTAACA[A>C]GATTTCTCTTCCAGATGATGAGGAGTCTGATGAGGAAGCTGTGAAGAAAACCAACAAATG-3'